The following is an entry in ClinVar:

ClinVar aggregate classification (germline): Uncertain significance (1 of 4 stars; one submission).

Conditions:
DNAH9-related disorder. Also called: DNAH9-related condition.

gnomAD v4.1: 24 of 1,613,444 alleles (0.0015%); highest among the groups gnomAD compares: South Asian, 0.0044%; no homozygotes.

Submission:

PreventionGenetics, part of Exact Sciences
Classification: Uncertain significance for DNAH9-related condition. Last evaluated: 2025-10-27. Review status: criteria provided, single submitter. Criteria: ACMG Guidelines, 2015. Collection method: clinical testing. Allele origin: germline.
Comment: The DNAH9 c.4807C>T variant is predicted to result in the amino acid substitution p.Arg1603Trp. To our knowledge, this variant has not been reported in the literature. This variant is reported in 0.0046% of alleles in individuals of European (Finnish) descent in gnomAD. At this time, the clinical significance of this variant is uncertain due to the absence of conclusive functional and genetic evidence.

NM_001372.4(DNAH9):c.4807C>T (p.Arg1603Trp)

Gene: DNAH9 (dynein axonemal heavy chain 9; plus strand). Cytogenetic location: 17p12.
Variant type: single nucleotide variant.
Coding change: c.4807C>T on transcript NM_001372.4 (MANE Select); coding-DNA position 4807, C replaced by T.
Protein change: p.Arg1603Trp; replaces arginine 1603 with tryptophan.
Molecular consequence: missense variant.
Genome position (GRCh38, 1-based): chr17:11,694,382, C>T. VCF-style: chr17-11694382-C-T. GRCh37 (hg19) VCF-style: chr17-11597699-C-T.
Other names: short protein forms R1603W.
Identifiers: ClinVar variation 4981634 (VCV004981634.1).